The following is an entry in ClinVar:

ClinVar aggregate classification (germline): Uncertain significance (1 of 4 stars; one submission).

Conditions:
Autosomal dominant nocturnal frontal lobe epilepsy 5. Also called: Epilepsy, nocturnal frontal lobe, 5; CILIARY DYSKINESIA, PRIMARY, 28, WITHOUT SITUS INVERSUS; CILIARY DYSKINESIA, PRIMARY, 28, WITH SITUS INVERSUS; KCNT1-Related Epilepsy. Identifiers: Orphanet 98784, MedGen C3554306, MONDO:0014002, OMIM 615005.
Developmental and epileptic encephalopathy, 14 (DEE14). Also called: Early infantile epileptic encephalopathy 14. Identifiers: Orphanet 293181, MedGen C3554195, MONDO:0013989, OMIM 614959.

Submission:

Labcorp Genetics (formerly Invitae), Labcorp
Classification: Uncertain significance for Autosomal dominant nocturnal frontal lobe epilepsy 5; Developmental and epileptic encephalopathy, 14. Last evaluated: 2019-12-02. Review status: criteria provided, single submitter. Criteria: Invitae Variant Classification Sherloc (09022015). Collection method: clinical testing. Allele origin: germline.
Comment: In summary, the available evidence is currently insufficient to determine the role of this variant in disease. Therefore, it has been classified as a Variant of Uncertain Significance. Algorithms developed to predict the effect of missense changes on protein structure and function are either unavailable or do not agree on the potential impact of this missense change (SIFT: "Deleterious"; PolyPhen-2: "Possibly Damaging"; Align-GVGD: "Class C0"). This variant has not been reported in the literature in individuals with KCNT1-related conditions. This variant is not present in population databases (ExAC no frequency). This sequence change replaces isoleucine with methionine at codon 333 of the KCNT1 protein (p.Ile333Met). The isoleucine residue is highly conserved and there is a small physicochemical difference between isoleucine and methionine.

NM_020822.3(KCNT1):c.999C>G (p.Ile333Met)

Gene: KCNT1 (potassium sodium-activated channel subfamily T member 1; plus strand). Cytogenetic location: 9q34.3.
Variant type: single nucleotide variant.
Coding change: c.999C>G on transcript NM_020822.3 (MANE Select); coding-DNA position 999, C replaced by G.
Protein change: p.Ile333Met; replaces isoleucine 333 with methionine.
Molecular consequence: missense variant.
Genome position (GRCh38, 1-based): chr9:135,759,823, C>G. VCF-style: chr9-135759823-C-G. GRCh37 (hg19) VCF-style: chr9-138651669-C-G.
Other names: c.864C>G, p.Ile288Met (NM_001272003.2); short protein forms I288M, I333M.
Identifiers: ClinVar variation 859365 (VCV000859365.10), dbSNP rs764327750, ClinGen allele CA375498659.